The following is an entry in ClinVar:

NM_001605.3(AARS1):c.1539G>T (p.Lys513Asn)

Gene: AARS1 (alanyl-tRNA synthetase 1; minus strand). Cytogenetic location: 16q22.1.
Variant type: single nucleotide variant.
Coding change: c.1539G>T on transcript NM_001605.3 (MANE Select); coding-DNA position 1539, G replaced by T.
Protein change: p.Lys513Asn; replaces lysine 513 with asparagine.
Molecular consequence: missense variant.
Genome position (GRCh38, 1-based): chr16:70,262,478, C>A on the plus strand (G>T on the coding strand, the complement: AARS1 is on the minus strand). VCF-style: chr16-70262478-C-A. GRCh37 (hg19) VCF-style: chr16-70296381-C-A.
Other names: short protein forms K513N.
Identifiers: ClinVar variation 3648179 (VCV003648179.2).

ClinVar aggregate classification (germline): Uncertain significance (1 of 4 stars; one submission).

Conditions:
Charcot-Marie-Tooth disease type 2. Also called: Charcot-Marie-Tooth type 2. Identifiers: Orphanet 64746, MedGen C0270914, MONDO:0018993.

Submission:

Labcorp Genetics (formerly Invitae), Labcorp
Classification: Uncertain significance for Charcot-Marie-Tooth disease type 2. Last evaluated: 2024-04-05. Review status: criteria provided, single submitter. Criteria: Invitae Variant Classification Sherloc (09022015). Collection method: clinical testing. Allele origin: germline.
Comment: This sequence change replaces lysine, which is basic and polar, with asparagine, which is neutral and polar, at codon 513 of the AARS protein (p.Lys513Asn). This variant is not present in population databases (gnomAD no frequency). This variant has not been reported in the literature in individuals affected with AARS-related conditions. Advanced modeling of protein sequence and biophysical properties (such as structural, functional, and spatial information, amino acid conservation, physicochemical variation, residue mobility, and thermodynamic stability) performed at Invitae indicates that this missense variant is not expected to disrupt AARS protein function with a negative predictive value of 95%. In summary, the available evidence is currently insufficient to determine the role of this variant in disease. Therefore, it has been classified as a Variant of Uncertain Significance.